The following is an entry in ClinVar:

NM_000059.4(BRCA2):c.9285C>G (p.Asp3095Glu)

Gene: BRCA2 (BRCA2 DNA repair associated; plus strand). Cytogenetic location: 13q13.1.
Variant type: single nucleotide variant.
Coding change: c.9285C>G on transcript NM_000059.4 (MANE Select); coding-DNA position 9285, C replaced by G.
Protein change: p.Asp3095Glu; replaces aspartic acid 3095 with glutamic acid.
Molecular consequence: missense variant.
Genome position (GRCh38, 1-based): chr13:32,394,717, C>G. VCF-style: chr13-32394717-C-G. GRCh37 (hg19) VCF-style: chr13-32968854-C-G.
Other names: 9513C>G; short protein forms D3095E.
Identifiers: ClinVar variation 52805 (VCV000052805.37), dbSNP rs80359198, ClinGen allele CA026086.

ClinVar aggregate classification (germline): Pathogenic. Review status: criteria provided, multiple submitters, no conflicts (2 of 4 stars). 16 submissions from 16 submitters: Pathogenic (13). 3 of the submissions do not count toward it. Last evaluated 2026-10-08.

Conditions:
Inherited breast cancer and ovarian cancer.
BRCA2-related cancer predisposition. Identifiers: MedGen CN377758, MONDO:0700269.
Hereditary cancer-predisposing syndrome. Also called: Hereditary Cancer Syndrome; Neoplastic Syndromes, Hereditary; Hereditary neoplastic syndrome; Tumor predisposition. Identifiers: Orphanet 140162, MedGen C0027672, MeSH D009386, MONDO:0015356.
Hereditary breast ovarian cancer syndrome. Also called: Breast and ovarian cancer; Hereditary breast and ovarian cancer syndrome; Hereditary breast and ovarian cancer syndrome (HBOC); BRCA1- and BRCA2-Associated Hereditary Breast and Ovarian Cancer; Hereditary breast and ovarian cancer; Hereditary breast and/or ovarian cancer syndrome. Identifiers: Orphanet 145, MedGen C0677776, MeSH D061325, MONDO:0003582. Disease mechanism: loss of function.
Breast-ovarian cancer, familial, susceptibility to, 2 (BROVCA2). Also called: BRCA2 Hereditary Breast and Ovarian Cancer. Identifiers: Orphanet 145, MedGen C2675520, MONDO:0012933, OMIM 612555. Disease mechanism: loss of function.
Familial cancer of breast. Also called: hereditary breast carcinoma; Hereditary breast cancer; BREAST CANCER, FAMILIAL. Identifiers: Orphanet 227535, MedGen C0346153, MONDO:0016419, OMIM 114480. Disease mechanism: loss of function.

gnomAD v4.1: 2 of 1,613,472 alleles (0.00012%); highest among the groups gnomAD compares: Non-Finnish European, 0.00017%; no homozygotes.

Submissions 1 to 8 of 16:

Genomics and Molecular Medicine Service, East Genomic Laboratory Hub, NHS Genomic Medicine Service
Classification: Pathogenic for Inherited breast cancer and ovarian cancer. Last evaluated: 2026-10-08. Review status: criteria provided, single submitter. Criteria: ACGS Best Practice Guidelines for Variant Classification in Rare Disease 2020. Collection method: clinical testing. Allele origin: germline. Affected: yes.
Comment: PS1,PS3,PM2_Supporting,PP3

Labcorp Genetics (formerly Invitae), Labcorp
Classification: Pathogenic for Hereditary breast ovarian cancer syndrome. Last evaluated: 2026-02-03. Review status: criteria provided, single submitter. Criteria: Invitae Variant Classification Sherloc (09022015). Collection method: clinical testing. Allele origin: germline.
Comment: This sequence change replaces aspartic acid, which is acidic and polar, with glutamic acid, which is acidic and polar, at codon 3095 of the BRCA2 protein (p.Asp3095Glu). This variant is present in population databases (rs80359198, gnomAD 0.0009%). This missense change has been observed in individual(s) with BRCA2-related conditions (PMID: 18451181, 18951446, 22678057). It has also been observed to segregate with disease in related individuals. This variant is also known as 9513C>G. ClinVar contains an entry for this variant (Variation ID: 52805). Invitae Evidence Modeling incorporating data from in vitro experimental studies (PMID: 33609447) indicates that this missense variant is expected to disrupt BRCA2 function with a positive predictive value of 95%. Experimental studies have shown that this missense change affects BRCA2 function (PMID: 18451181, 22678057, 23108138). For these reasons, this variant has been classified as Pathogenic.

GeneKor MSA
Classification: Pathogenic for Hereditary breast ovarian cancer syndrome. Last evaluated: 2025-06-25. Review status: criteria provided, single submitter. Criteria: ACMG Guidelines, 2015. Collection method: clinical testing. Allele origin: germline.
Comment: This sequence change replaces aspartic acid with glutamic acid at codon 3095 of the BRCA2 protein p.(Asp3095Glu). This variant is present in population databases (rs80359198) and has been observed in individual(s) with BRCA2-related conditions (PMID:18451181, 18951446, 22678057). It has also been observed to segregate with disease in related individuals. The mutation database Clinvar contains entries for this variant where it is listed as pathogenic (VCV000052805.33). Experimental studies have shown that this missense change affects BRCA2 function (PMID:18451181, 22678057, 23108138). Based on the classification criteria set by the ACMG and AMP (PMID:25741868) this variant has been classified as pathogenic. According to international guidelines it is recommended that relatives of the patient are tested for the above mutation

Mayo Clinic Laboratories, Mayo Clinic
Classification: Pathogenic. Last evaluated: 2025-05-15. Review status: criteria provided, single submitter. Criteria: ACMG Guidelines, 2015. Collection method: clinical testing. Allele origin: germline. Observed: 1 variant allele.
Comment: PP4_strong, PS3

All of Us Research Program, National Institutes of Health
Classification: Pathogenic for BRCA2-related cancer predisposition. Last evaluated: 2024-09-16. Review status: criteria provided, single submitter. Criteria: ACMG Guidelines, 2015. Collection method: clinical testing. Allele origin: germline. Inheritance: Autosomal dominant inheritance. Observed: 1 variant allele, 1 heterozygote.
Comment: This missense variant replaces aspartic acid with glutamic acid at codon 3095 of the BRCA2 protein. Computational prediction is inconclusive regarding the impact of this variant on protein structure and function (internally defined REVEL score threshold 0.5 < inconclusive < 0.7, PMID: 27666373). Splice site prediction tools suggest that this variant may not impact RNA splicing. Functional studies have shown that this variant disrupts homology-directed DNA repair activity (PMID: 18451181, 23108138, 29884841) and fails to complement cell lethality phenotype induced by loss of BRCA2 in mouse embryonic stem cell-based assays (PMID: 24323938, 29988080). This variant has been reported in many individuals affected with breast cancer (PMID: 16875939, 18951446, 28477318, 30728895) and prostate cancer (PMID: 29368341, 29439820, 29983880, 30293905). In addition, several multifactorial likelihood models using health history, in silico, and experimental data have suggested this variant have a high probability of being pathogenic (PMID: 17924331, 19043619, 21990134, 25085752, 29394989). This variant has been identified in 1/250672 chromosomes in the general population by the Genome Aggregation Database (gnomAD). Based on the available evidence, this variant is classified as Pathogenic.

This study involves interpretation of variants in research participants for the purpose of population health screening. Participant phenotype was not available at the time of variant classification. Additional details can be found in publication PMID: 35346344, PMCID: PMC8962531

Ambry Genetics
Classification: Pathogenic for Hereditary cancer-predisposing syndrome. Last evaluated: 2024-07-19. Review status: criteria provided, single submitter. Criteria: Ambry Variant Classification Scheme 2023. Collection method: clinical testing. Allele origin: germline.
Comment: The p.D3095E pathogenic mutation (also known as c.9285C>G), located in coding exon 24 of the BRCA2 gene, results from a C to G substitution at nucleotide position 9285. The aspartic acid at codon 3095 is replaced by glutamic acid, an amino acid with highly similar properties. This alteration has been classified as a likely pathogenic alteration by multifactorial analysis, which integrates the following lines of evidence to produce a quantitative likelihood of pathogenicity: in silico prediction models, segregation with disease, tumor characteristics, and mutation co-occurrence (Easton DF et al. Am. J. Hum. Genet. 2007 Nov;81:873-83; Lindor NM et al. Hum. Mutat. 2012 Jan;33:8-21; Vallee MP et al. Hum. Mutat. 2012 Jan;33:22-8). The p.D3095E alteration was not able to perform complementation in mouse ES cell-based assays (Biswas K et al. Hum Mol Genet. 2012 Sep 15;21(18):3993-4006; Mesman RLS et al. Genet Med 2019 02;21(2):293-302). A homology-directed DNA repair (HDR) assay has demonstrated this variant to be non-functional (Guidugli L et al. Am J Hum Genet 2018 02;102(2):233-248; Hart SN et al. Genet Med, 2019 01;21:71-80; Richardson ME et al. Am J Hum Genet 2021 03;108(3):458-468).This alteration has been reported in multiple families with hereditary breast and ovarian cancer, including at least two families with a history of male breast cancer, as well as cohorts of prostate and pancreatic cancer patients (Biswas K et al. Hum Mol Genet. 2012 Sep 15;21(18):3993-4006; Gabaldo Barrios X et al. Fam. Cancer 2017 Oct;16(4):477-489; Antonarakis ES et al. Eur. Urol. 2018 08;74:218-225; Wong W et al. Cancer. 2019 05;125:1441-1448; Isaacsson Velho P et al. Prostate. 2018 04;78:401-407). Of note, this alteration is also designated as 9513C>G in published literature. This amino acid position is highly conserved in available vertebrate species. In addition, the in silico prediction for this alteration is inconclusive. Based on the available evidence, this alteration is classified as a pathogenic mutation.

Color Diagnostics, LLC DBA Color Health
Classification: Pathogenic for Hereditary cancer-predisposing syndrome. Last evaluated: 2024-07-17. Review status: criteria provided, single submitter. Criteria: ACMG Guidelines, 2015. Collection method: clinical testing. Allele origin: germline.
Comment: This missense variant replaces aspartic acid with glutamic acid at codon 3095 of the BRCA2 protein. Computational prediction is inconclusive regarding the impact of this variant on protein structure and function. Functional studies have shown that this variant disrupts homology-directed DNA repair activity (PMID: 18451181, 23108138, 29884841, 33609447) and fails to complement cell lethality phenotype induced by loss of BRCA2 in mouse embryonic stem cell-based assays (PMID: 24323938, 29988080, 37922907). This variant has been reported in individuals affected with breast cancer (PMID: 16875939, 18951446, 28477318, 30728895) and prostate cancer (PMID: 29368341, 29439820, 29983880, 30293905). In addition, several multifactorial likelihood models using health history, in silico, and experimental data have suggested this variant have a high probability of being pathogenic (PMID: 17924331, 19043619, 21990134, 25085752, 29394989). This variant has been identified in 1/250672 chromosomes in the general population by the Genome Aggregation Database (gnomAD). Based on the available evidence, this variant is classified as Pathogenic.

Baylor Genetics
Classification: Pathogenic for Familial cancer of breast. Last evaluated: 2024-02-19. Review status: criteria provided, single submitter. Criteria: ACMG Guidelines, 2015. Collection method: clinical testing. Allele origin: unknown.